The following is an entry in ClinVar:

NM_015338.6(ASXL1):c.2195T>C (p.Leu732Pro)

Gene: ASXL1 (ASXL transcriptional regulator 1; plus strand). Cytogenetic location: 20q11.21.
Variant type: single nucleotide variant.
Coding change: c.2195T>C on transcript NM_015338.6 (MANE Select); coding-DNA position 2195, T replaced by C.
Protein change: p.Leu732Pro; replaces leucine 732 with proline.
Molecular consequence: missense variant.
Genome position (GRCh38, 1-based): chr20:32,434,907, T>C. VCF-style: chr20-32434907-T-C. GRCh37 (hg19) VCF-style: chr20-31022710-T-C.
Other names: c.2012T>C, p.Leu671Pro (NM_001363734.1); short protein forms L671P, L732P.
Identifiers: ClinVar variation 1900483 (VCV001900483.5), dbSNP rs770152895, ClinGen allele CA9808561.
Genomic context (GRCh38, chr20:32,434,907, plus strand): 5'-CCATGTCCAGAGCTAGGAGAGAGGACCTGCCTTCTCTGAGAAAGGAGGAAAGCTGCCTAC[T>C]ACAGAGGGCTACAGTTGGACTCACAGATGGGCTAGGAGATGCCTCCCAACTCCCCGTTGC-3'
Protein context (NP_056153.2, residues 722-742): PSLRKEESCL[Leu732Pro]QRATVGLTDG

ClinVar aggregate classification (germline): Uncertain significance (1 of 4 stars; one submission).

Allele frequency attached by ClinVar (database versions not stated): ExAC 0.00001; TOPMed 0.00001; gnomAD exomes 0.00002.
gnomAD v4.1: 34 of 1,614,176 alleles (0.0021%); highest among the groups gnomAD compares: Non-Finnish European, 0.0027%; no homozygotes.

Submission:

Labcorp Genetics (formerly Invitae), Labcorp
Classification: Uncertain significance. Last evaluated: 2024-05-09. Review status: criteria provided, single submitter. Criteria: Invitae Variant Classification Sherloc (09022015). Collection method: clinical testing. Allele origin: germline.
Comment: This sequence change replaces leucine, which is neutral and non-polar, with proline, which is neutral and non-polar, at codon 732 of the ASXL1 protein (p.Leu732Pro). This variant is present in population databases (rs770152895, gnomAD 0.0009%). This variant has not been reported in the literature in individuals affected with ASXL1-related conditions. ClinVar contains an entry for this variant (Variation ID: 1900483). An algorithm developed to predict the effect of missense changes on protein structure and function (PolyPhen-2) suggests that this variant is likely to be disruptive. In summary, the available evidence is currently insufficient to determine the role of this variant in disease. Therefore, it has been classified as a Variant of Uncertain Significance.